The following is an entry in ClinVar:

NM_000182.5(HADHA):c.1590del (p.Lys531fs)

Genes: HADHA (hydroxyacyl-CoA dehydrogenase trifunctional multienzyme complex subunit alpha; minus strand), GAREM2 (GRB2 associated regulator of MAPK1 subtype 2; plus strand). Cytogenetic location: 2p23.3.
Variant type: Deletion.
Coding change: c.1590del on transcript NM_000182.5 (MANE Select); coding-DNA position 1590, one base deleted (C; older notation c.1590delC).
Protein change: p.Lys531fs; shifts the reading frame from lysine 531.
Molecular consequence: frameshift variant.
Genome position (GRCh38, 1-based): chr2:26,195,122, G deleted on the plus strand (C on the coding strand, the reverse complement: HADHA is on the minus strand). VCF-style (leftmost placement, unchanged base first): chr2-26195121-TG-T. GRCh37 (hg19) VCF-style: chr2-26417990-TG-T.
Other names: short protein forms K531fs.
Identifiers: ClinVar variation 371082 (VCV000371082.6), dbSNP rs1057516991, ClinGen allele CA16040873.

ClinVar aggregate classification (germline): Pathogenic. Review status: criteria provided, single submitter (1 of 4 stars). 2 submissions from 2 submitters: Pathogenic (1). 1 of the submissions does not count toward it. Last evaluated 2024-01-25.

Conditions:
Mitochondrial trifunctional protein deficiency. Identifiers: Orphanet 746, MedGen C1969443, MONDO:0012172.
Long chain 3-hydroxyacyl-CoA dehydrogenase deficiency. Also called: LCHAD Deficiency; Deficiency of long-chain 3-hydroxyacyl-coenzyme A dehydrogenase. Identifiers: Orphanet 5, MedGen C3711645, MONDO:0012173, OMIM 609016.

Allele frequency attached by ClinVar (database versions not stated): gnomAD exomes below 0.00001.

Submissions (2):

Labcorp Genetics (formerly Invitae), Labcorp
Classification: Pathogenic for Mitochondrial trifunctional protein deficiency; Long chain 3-hydroxyacyl-CoA dehydrogenase deficiency. Last evaluated: 2024-01-25. Review status: criteria provided, single submitter. Criteria: Invitae Variant Classification Sherloc (09022015). Collection method: clinical testing. Allele origin: germline.
Comment: This sequence change creates a premature translational stop signal (p.Lys531Serfs*24) in the HADHA gene. It is expected to result in an absent or disrupted protein product. Loss-of-function variants in HADHA are known to be pathogenic (PMID: 7738175, 21103935, 21549624, 22459206). This variant is present in population databases (no rsID available, gnomAD 0.006%). This variant has not been reported in the literature in individuals affected with HADHA-related conditions. ClinVar contains an entry for this variant (Variation ID: 371082). For these reasons, this variant has been classified as Pathogenic.

Counsyl
Classification: Likely pathogenic for Long chain 3-hydroxyacyl-CoA dehydrogenase deficiency. Last evaluated: 2016-06-23. Review status: no assertion criteria provided. Collection method: clinical testing. Allele origin: unknown. Not counted in ClinVar's aggregate classification.

Literature cited by the submitters: PubMed 7738175 (cited by Labcorp Genetics (formerly Invitae), Labcorp); PubMed 21103935 (cited by Labcorp Genetics (formerly Invitae), Labcorp); PubMed 21549624 (cited by Labcorp Genetics (formerly Invitae), Labcorp); PubMed 22459206 (cited by Labcorp Genetics (formerly Invitae), Labcorp).